The following is an entry in ClinVar:

NM_018006.5(TRMU):c.1108G>A (p.Val370Met)

Gene: TRMU (tRNA mitochondrial 2-thiouridylase; plus strand). Cytogenetic location: 22q13.31.
Variant type: single nucleotide variant.
Coding change: c.1108G>A on transcript NM_018006.5 (MANE Select); coding-DNA position 1108, G replaced by A.
Protein change: p.Val370Met; replaces valine 370 with methionine.
Molecular consequence: missense variant. On other transcripts: non-coding transcript variant (2).
Genome position (GRCh38, 1-based): chr22:46,356,848, G>A. VCF-style: chr22-46356848-G-A. GRCh37 (hg19) VCF-style: chr22-46752745-G-A.
Other names: c.766G>A, p.Val256Met (NM_001282782.2); c.688G>A, p.Val230Met (NM_001282783.2); c.605G>A, p.Cys202Tyr (NM_001282784.2); c.1025G>A, p.Cys342Tyr (NM_001282785.2); short protein forms C202Y, C342Y, V230M, V256M, V370M.
Identifiers: ClinVar variation 3898065 (VCV003898065.1).
Genomic context (GRCh38, chr22:46,356,848, plus strand): 5'-TGCCCTCGGCTGGCTCCCTGTGGCACCCCTGATGCCAGGGTCTCTCCCCTACAGTTTGCT[G>A]TGTTCTACAAGGGGGACGAGTGCCTGGGCAGCGGGAAGATCCTGCGGCTGGGGCCGTCTG-3'
Protein context (NP_060476.2, residues 360-380): VRALATGQFA[Val370Met]FYKGDECLGS

ClinVar aggregate classification (germline): Likely pathogenic (1 of 4 stars; one submission).

Conditions:
Acute infantile liver failure due to synthesis defect of mtDNA-encoded proteins. Also called: Liver failure acute infantile; LIVER FAILURE, INFANTILE, TRANSIENT; TRMU Deficiency. Identifiers: Orphanet 217371, MedGen C3278664, MONDO:0013111, OMIM 613070.

gnomAD v4.1: 4 of 1,613,288 alleles (0.00025%); highest among the groups gnomAD compares: Non-Finnish European, 0.00034%; no homozygotes.

Submission:

Service de Génétique Médicale, Centre Hospitalier Universitaire de Nice-Université Côte d'Azur
Classification: Likely pathogenic for Acute infantile liver failure due to synthesis defect of mtDNA-encoded proteins. Last evaluated: 2024-02-27. Review status: criteria provided, single submitter. Criteria: ACMG Guidelines, 2015. Collection method: clinical testing. Allele origin: germline. Affected: yes.

Literature cited by the submitters: PubMed 38703036.